The following is an entry in ClinVar:

ClinVar aggregate classification (germline): Uncertain significance. Review status: criteria provided, multiple submitters, no conflicts (2 of 4 stars). 2 submissions from 2 submitters: Uncertain significance (2). Last evaluated 2025-12-17.

Conditions:
Inborn genetic diseases. Identifiers: MedGen C0950123, MeSH D030342.

Submissions (2):

Ambry Genetics
Classification: Uncertain significance for Inborn genetic diseases. Last evaluated: 2025-12-17. Review status: criteria provided, single submitter. Criteria: Ambry Variant Classification Scheme 2023. Collection method: clinical testing. Allele origin: germline.
Comment: The c.1664G>A (p.G555E) alteration is located in exon 17 (coding exon 15) of the EYA1 gene. This alteration results from a G to A substitution at nucleotide position 1664, causing the glycine (G) at amino acid position 555 to be replaced by a glutamic acid (E). This variant was not reported in population-based cohorts in the Genome Aggregation Database (gnomAD). This amino acid position is highly conserved in available vertebrate species. This alteration is predicted to be deleterious by in silico analysis. Based on insufficient or conflicting evidence, the clinical significance of this alteration remains unclear.

GeneDx
Classification: Uncertain significance. Last evaluated: 2023-12-12. Review status: criteria provided, single submitter. Criteria: GeneDx Variant Classification Process June 2021. Collection method: clinical testing. Allele origin: germline. Affected: yes.
Comment: Not observed at significant frequency in large population cohorts (gnomAD); In silico analysis supports that this missense variant has a deleterious effect on protein structure/function; Has not been previously published as pathogenic or benign to our knowledge

NM_000503.6(EYA1):c.1664G>A (p.Gly555Glu)

Gene: EYA1 (EYA transcriptional coactivator and phosphatase 1; minus strand). Cytogenetic location: 8q13.3.
Variant type: single nucleotide variant.
Coding change: c.1664G>A on transcript NM_000503.6 (MANE Select); coding-DNA position 1664, G replaced by A.
Protein change: p.Gly555Glu; replaces glycine 555 with glutamic acid.
Molecular consequence: missense variant.
Genome position (GRCh38, 1-based): chr8:71,211,190, C>T on the plus strand (G>A on the coding strand, the complement: EYA1 is on the minus strand). VCF-style: chr8-71211190-C-T. GRCh37 (hg19) VCF-style: chr8-72123425-C-T.
Other names: c.1646G>A, p.Gly549Glu (NM_001288574.2, NM_172059.5); c.1298G>A, p.Gly433Glu (NM_001288575.2); c.1751G>A, p.Gly584Glu (NM_001370333.1); c.1664G>A, p.Gly555Glu (NM_001370334.1, NM_001370335.1, NM_172058.4); c.1643G>A, p.Gly548Glu (NM_001370336.1); c.1565G>A, p.Gly522Glu (NM_001411797.1, NM_172060.4); short protein forms G433E, G522E, G548E, G549E, G555E, G584E.
Identifiers: ClinVar variation 3252757 (VCV003252757.3), dbSNP rs2537207001.